The following is an entry in ClinVar:

ClinVar aggregate classification (germline): Uncertain significance (1 of 4 stars; one submission).

Conditions:
Conotruncal heart malformations (CTHM). Also called: Conotruncal heart malformations, variable. Identifiers: Orphanet 2445, Orphanet 3384, Orphanet 3426, MedGen C1857586, MONDO:0016581, OMIM 217095.

Allele frequency attached by ClinVar (database versions not stated): gnomAD 0.00001; gnomAD exomes 0.00001; TOPMed 0.00001.
gnomAD v4.1: 21 of 1,543,424 alleles (0.0014%); highest among the groups gnomAD compares: Non-Finnish European, 0.0017%; no homozygotes.

Submission:

Labcorp Genetics (formerly Invitae), Labcorp
Classification: Uncertain significance for Conotruncal heart malformations. Last evaluated: 2022-07-19. Review status: criteria provided, single submitter. Criteria: Invitae Variant Classification Sherloc (09022015). Collection method: clinical testing. Allele origin: germline.
Comment: In summary, the available evidence is currently insufficient to determine the role of this variant in disease. Therefore, it has been classified as a Variant of Uncertain Significance. This sequence change replaces glutamine, which is neutral and polar, with arginine, which is basic and polar, at codon 42 of the NKX2-6 protein (p.Gln42Arg). This variant is present in population databases (no rsID available, gnomAD 0.004%). This variant has not been reported in the literature in individuals affected with NKX2-6-related conditions. ClinVar contains an entry for this variant (Variation ID: 1382817). Algorithms developed to predict the effect of missense changes on protein structure and function output the following: SIFT: "Tolerated"; PolyPhen-2: "Benign"; Align-GVGD: "Class C0". The arginine amino acid residue is found in multiple mammalian species, which suggests that this missense change does not adversely affect protein function.

NM_001136271.3(NKX2-6):c.125A>G (p.Gln42Arg)

Gene: NKX2-6 (NK2 homeobox 6; minus strand). Cytogenetic location: 8p21.2.
Variant type: single nucleotide variant.
Coding change: c.125A>G on transcript NM_001136271.3 (MANE Select); coding-DNA position 125, A replaced by G.
Protein change: p.Gln42Arg; replaces glutamine 42 with arginine.
Molecular consequence: missense variant.
Genome position (GRCh38, 1-based): chr8:23,706,474, T>C on the plus strand (A>G on the coding strand, the complement: NKX2-6 is on the minus strand). VCF-style: chr8-23706474-T-C. GRCh37 (hg19) VCF-style: chr8-23563987-T-C.
Other names: short protein forms Q42R.
Identifiers: ClinVar variation 1382817 (VCV001382817.8), dbSNP rs1440787889, ClinGen allele CA370603661.